The following is an entry in ClinVar:

ClinVar aggregate classification (germline): Uncertain significance (1 of 4 stars; one submission).

Submission:

Labcorp Genetics (formerly Invitae), Labcorp
Classification: Uncertain significance. Last evaluated: 2024-07-20. Review status: criteria provided, single submitter. Criteria: Invitae Variant Classification Sherloc (09022015). Collection method: clinical testing. Allele origin: germline.
Comment: This sequence change replaces serine, which is neutral and polar, with cysteine, which is neutral and slightly polar, at codon 297 of the POLE protein (p.Ser297Cys). This variant is not present in population databases (gnomAD no frequency). This variant has not been reported in the literature in individuals affected with POLE-related conditions. Advanced modeling of protein sequence and biophysical properties (such as structural, functional, and spatial information, amino acid conservation, physicochemical variation, residue mobility, and thermodynamic stability) performed at Invitae indicates that this missense variant is expected to disrupt POLE protein function with a positive predictive value of 80%. This variant disrupts the p.Ser297 amino acid residue in POLE. Other variant(s) that disrupt this residue have been determined to be pathogenic (PMID: 34816535). This suggests that this residue is clinically significant, and that variants that disrupt this residue are likely to be disease-causing. In summary, the available evidence is currently insufficient to determine the role of this variant in disease. Therefore, it has been classified as a Variant of Uncertain Significance.

Literature cited by the submitters: PubMed 34816535.

NM_006231.4(POLE):c.890C>G (p.Ser297Cys)

Gene: POLE (DNA polymerase epsilon, catalytic subunit; minus strand). Cytogenetic location: 12q24.33.
Variant type: single nucleotide variant.
Coding change: c.890C>G on transcript NM_006231.4 (MANE Select); coding-DNA position 890, C replaced by G.
Protein change: p.Ser297Cys; replaces serine 297 with cysteine.
Molecular consequence: missense variant.
Genome position (GRCh38, 1-based): chr12:132,676,565, G>C on the plus strand (C>G on the coding strand, the complement: POLE is on the minus strand). VCF-style: chr12-132676565-G-C. GRCh37 (hg19) VCF-style: chr12-133253151-G-C.
Other names: short protein forms S297C.
Identifiers: ClinVar variation 3657760 (VCV003657760.2).